The following is an entry in ClinVar:

NM_024642.5(GALNT12):c.462G>T (p.Arg154=)

Gene: GALNT12 (polypeptide N-acetylgalactosaminyltransferase 12; plus strand). Cytogenetic location: 9q22.33.
Variant type: single nucleotide variant.
Coding change: c.462G>T on transcript NM_024642.5 (MANE Select); coding-DNA position 462, G replaced by T.
Protein change: p.Arg154=; no amino-acid change (arginine 154 retained).
Molecular consequence: synonymous variant.
Genome position (GRCh38, 1-based): chr9:98,823,346, G>T. VCF-style: chr9-98823346-G-T. GRCh37 (hg19) VCF-style: chr9-101585628-G-T.
Identifiers: ClinVar variation 2566246 (VCV002566246.2), dbSNP rs1588444696, ClinGen allele CA466423577.
Genomic context (GRCh38, chr9:98,823,346, plus strand): 5'-TTTGCCCAGGACATCTGTTATCATAGCATTTTATAATGAAGCCTGGTCAACTCTCCTTCG[G>T]ACAGTTTACAGTGTCCTTGAGACATCCCCGGATATCCTGCTAGAAGAAGTGATCCTTGTA-3'
Protein context (NP_078918.3, residues 144-164): FYNEAWSTLL[Arg154=]TVYSVLETSP

ClinVar aggregate classification (germline): Uncertain significance (1 of 4 stars; one submission).

Allele frequency attached by ClinVar (database versions not stated): TOPMed below 0.00001.

Submission:

Ambry Genetics
Classification: Uncertain significance. Last evaluated: 2023-03-31. Review status: criteria provided, single submitter. Criteria: Ambry Variant Classification Scheme 2023. Collection method: clinical testing. Allele origin: germline.
Comment: The c.462G>T variant (also known as p.R154R), located in coding exon 2 of the GALNT12 gene, results from a G to T substitution at nucleotide position 462. This nucleotide substitution does not change the arginine at codon 154. This nucleotide position is poorly conserved in available vertebrate species. In silico splice site analysis predicts that this alteration may result in the creation or strengthening of a novel splice acceptor site. The evidence for this gene-disease relationship is limited; therefore, the clinical significance of this alteration is unclear.